The following is an entry in ClinVar:

ClinVar aggregate classification (germline): Uncertain significance (1 of 4 stars; one submission).

Conditions:
Hereditary spastic paraplegia 8 (SPG8). Also called: SPASTIC PARAPLEGIA 8, AUTOSOMAL DOMINANT. Identifiers: Orphanet 100989, MedGen C1863704, MONDO:0011339, OMIM 603563.
Ritscher-Schinzel syndrome. Also called: CRANIOCEREBELLOCARDIAC DYSPLASIA. Identifiers: Orphanet 7, MedGen C0796137, MONDO:0019078.

Allele frequency attached by ClinVar (database versions not stated): gnomAD 0.00001; ESP Exome Variant Server 0.00008; gnomAD exomes 0.00001; TOPMed below 0.00001; ExAC 0.00001.
gnomAD v4.1: 7 of 1,613,772 alleles (0.00043%); highest among the groups gnomAD compares: African/African-American, 0.0013%; no homozygotes.

Submission:

Labcorp Genetics (formerly Invitae), Labcorp
Classification: Uncertain significance for Ritscher-Schinzel syndrome; Hereditary spastic paraplegia 8. Last evaluated: 2022-10-13. Review status: criteria provided, single submitter. Criteria: Invitae Variant Classification Sherloc (09022015). Collection method: clinical testing. Allele origin: germline.
Comment: This sequence change replaces threonine, which is neutral and polar, with isoleucine, which is neutral and non-polar, at codon 527 of the WASHC5 protein (p.Thr527Ile). This variant is present in population databases (rs150556994, gnomAD 0.0009%). This variant has not been reported in the literature in individuals affected with WASHC5-related conditions. Advanced modeling of protein sequence and biophysical properties (such as structural, functional, and spatial information, amino acid conservation, physicochemical variation, residue mobility, and thermodynamic stability) performed at Invitae indicates that this missense variant is not expected to disrupt WASHC5 protein function. In summary, the available evidence is currently insufficient to determine the role of this variant in disease. Therefore, it has been classified as a Variant of Uncertain Significance.

NM_014846.4(WASHC5):c.1580C>T (p.Thr527Ile)

Gene: WASHC5 (WASH complex subunit 5; minus strand). Cytogenetic location: 8q24.13.
Variant type: single nucleotide variant.
Coding change: c.1580C>T on transcript NM_014846.4 (MANE Select); coding-DNA position 1580, C replaced by T.
Protein change: p.Thr527Ile; replaces threonine 527 with isoleucine.
Molecular consequence: missense variant.
Genome position (GRCh38, 1-based): chr8:125,059,484, G>A on the plus strand (C>T on the coding strand, the complement: WASHC5 is on the minus strand). VCF-style: chr8-125059484-G-A. GRCh37 (hg19) VCF-style: chr8-126071726-G-A.
Other names: c.1136C>T, p.Thr379Ile (NM_001330609.2); short protein forms T379I, T527I.
Identifiers: ClinVar variation 2144099 (VCV002144099.4), dbSNP rs150556994, ClinGen allele CA4873776.